The following is an entry in ClinVar:

NM_000334.4(SCN4A):c.3377A>G (p.Lys1126Arg)

Genes: GH-LCR (growth hormone locus control region; plus strand), SCN4A (sodium voltage-gated channel alpha subunit 4; minus strand). Cytogenetic location: 17q23.3.
Variant type: single nucleotide variant.
Coding change: c.3377A>G on transcript NM_000334.4 (MANE Select); coding-DNA position 3377, A replaced by G.
Protein change: p.Lys1126Arg; replaces lysine 1126 with arginine.
Molecular consequence: missense variant.
Genome position (GRCh38, 1-based): chr17:63,947,109, T>C on the plus strand (A>G on the coding strand, the complement: SCN4A is on the minus strand). VCF-style: chr17-63947109-T-C. GRCh37 (hg19) VCF-style: chr17-62024469-T-C.
Other names: short protein forms K1126R.
Identifiers: ClinVar variation 2422284 (VCV002422284.13), dbSNP rs1157662598, ClinGen allele CA400620516.

ClinVar aggregate classification (germline): Uncertain significance. Review status: criteria provided, multiple submitters, no conflicts (2 of 4 stars). 2 submissions from 2 submitters: Uncertain significance (2). Last evaluated 2025-05-12.

Conditions:
Congenital myopathy 22A, classic (CMYO22A). Identifiers: MedGen C5830453, MONDO:0957247, OMIM 620351.
Congenital myopathy 22B, severe fetal (CMYO22B). Identifiers: MedGen C5830501, MONDO:0957265, OMIM 620369.
Congenital myasthenic syndrome 16. Identifiers: Orphanet 590, MedGen C3280112, MONDO:0013620, OMIM 614198.
Hypokalemic periodic paralysis, type 2 (HOKPP2). Identifiers: Orphanet 681, MedGen C2750061, MONDO:0013234, OMIM 613345.
Hyperkalemic periodic paralysis. Also called: Gamstorp disease; Familial hyperkalemic periodic paralysis. Identifiers: Orphanet 682, MedGen C0238357, MONDO:0008224, OMIM 170500, HP:0007215.
Potassium-aggravated myotonia. Also called: MYOTONIA CONGENITA, ATYPICAL; SODIUM CHANNEL MUSCLE DISEASE; MYOTONIA CONGENITA, ACETAZOLAMIDE-RESPONSIVE; Myotonia congenita, atypical, acetazolamide-responsive. Identifiers: Orphanet 612, Orphanet 99734, Orphanet 99735, Orphanet 99736, MedGen C2931826, MONDO:0018959, OMIM 608390.
Paramyotonia congenita of Von Eulenburg. Also called: PARALYSIS PERIODICA PARAMYOTONICA; Eulenburg disease; Myotonia congenita intermittens; Von Eulenburg paramyotonia congenita; Paramyotonia Congenita. Identifiers: Orphanet 684, MedGen C0221055, MONDO:0008195, OMIM 168300. Disease mechanism: loss of function.

Allele frequency attached by ClinVar (database versions not stated): gnomAD exomes below 0.00001.
gnomAD v4.1: 2 of 1,613,662 alleles (0.00012%); highest among the groups gnomAD compares: Admixed American, 0.0033%; no homozygotes.

Submissions (2):

Labcorp Genetics (formerly Invitae), Labcorp
Classification: Uncertain significance for Hyperkalemic periodic paralysis. Last evaluated: 2025-05-12. Review status: criteria provided, single submitter. Criteria: Invitae Variant Classification Sherloc (09022015). Collection method: clinical testing. Allele origin: germline.
Comment: This sequence change replaces lysine, which is basic and polar, with arginine, which is basic and polar, at codon 1126 of the SCN4A protein (p.Lys1126Arg). This variant is not present in population databases (gnomAD no frequency). This variant has not been reported in the literature in individuals affected with SCN4A-related conditions. ClinVar contains an entry for this variant (Variation ID: 2422284). Invitae Evidence Modeling of protein sequence and biophysical properties (such as structural, functional, and spatial information, amino acid conservation, physicochemical variation, residue mobility, and thermodynamic stability) indicates that this missense variant is not expected to disrupt SCN4A protein function with a negative predictive value of 95%. In summary, the available evidence is currently insufficient to determine the role of this variant in disease. Therefore, it has been classified as a Variant of Uncertain Significance.

Fulgent Genetics
Classification: Uncertain significance for Paramyotonia congenita of Von Eulenburg; Hyperkalemic periodic paralysis; Potassium-aggravated myotonia; Hypokalemic periodic paralysis, type 2; Congenital myasthenic syndrome 16; Congenital myopathy 22A, classic; Congenital myopathy 22B, severe fetal. Last evaluated: 2024-06-06. Review status: criteria provided, single submitter. Criteria: ACMG Guidelines, 2015. Collection method: clinical testing. Allele origin: germline.